The following is an entry in ClinVar:

ClinVar aggregate classification (germline): Uncertain significance (1 of 4 stars; one submission).

Allele frequency attached by ClinVar (database versions not stated): TOPMed below 0.00001; ExAC 0.00001; gnomAD exomes 0.00001.
gnomAD v4.1: 35 of 1,613,558 alleles (0.0022%); highest among the groups gnomAD compares: Non-Finnish European, 0.0029%; no homozygotes.

Submission:

Labcorp Genetics (formerly Invitae), Labcorp
Classification: Uncertain significance. Last evaluated: 2021-11-18. Review status: criteria provided, single submitter. Criteria: Invitae Variant Classification Sherloc (09022015). Collection method: clinical testing. Allele origin: germline.
Comment: In summary, the available evidence is currently insufficient to determine the role of this variant in disease. Therefore, it has been classified as a Variant of Uncertain Significance. Algorithms developed to predict the effect of missense changes on protein structure and function are either unavailable or do not agree on the potential impact of this missense change (SIFT: "Tolerated"; PolyPhen-2: "Possibly Damaging"; Align-GVGD: "Class C0"). This variant has not been reported in the literature in individuals affected with KRT83-related conditions. This variant is present in population databases (rs754825251, gnomAD 0.002%). This sequence change replaces glycine, which is neutral and non-polar, with valine, which is neutral and non-polar, at codon 9 of the KRT83 protein (p.Gly9Val).

NM_002282.3(KRT83):c.26G>T (p.Gly9Val)

Gene: KRT83 (keratin 83; minus strand). Cytogenetic location: 12q13.13.
Variant type: single nucleotide variant.
Coding change: c.26G>T on transcript NM_002282.3 (MANE Select); coding-DNA position 26, G replaced by T.
Protein change: p.Gly9Val; replaces glycine 9 with valine.
Molecular consequence: missense variant.
Genome position (GRCh38, 1-based): chr12:52,321,310, C>A on the plus strand (G>T on the coding strand, the complement: KRT83 is on the minus strand). VCF-style: chr12-52321310-C-A. GRCh37 (hg19) VCF-style: chr12-52715094-C-A.
Other names: short protein forms G9V.
Identifiers: ClinVar variation 1466772 (VCV001466772.6), dbSNP rs754825251, ClinGen allele CA6577859.